The following is an entry in ClinVar:

ClinVar aggregate classification (germline): Uncertain significance. Review status: criteria provided, multiple submitters, no conflicts (2 of 4 stars). 2 submissions from 2 submitters: Uncertain significance (2). Last evaluated 2025-08-23.

Conditions:
Inborn genetic diseases. Identifiers: MedGen C0950123, MeSH D030342.

Allele frequency attached by ClinVar (database versions not stated): gnomAD 0.00001 and 0.00003; gnomAD exomes 0.00001; ExAC 0.00002; TOPMed 0.00002.
gnomAD v4.1: 16 of 1,613,832 alleles (0.00099%); highest among the groups gnomAD compares: African/African-American, 0.0067%; no homozygotes.

Submissions (2):

Ambry Genetics
Classification: Uncertain significance for Inborn genetic diseases. Last evaluated: 2025-08-23. Review status: criteria provided, single submitter. Criteria: Ambry Variant Classification Scheme 2023. Collection method: clinical testing. Allele origin: germline.

Labcorp Genetics (formerly Invitae), Labcorp
Classification: Uncertain significance. Last evaluated: 2022-06-13. Review status: criteria provided, single submitter. Criteria: Invitae Variant Classification Sherloc (09022015). Collection method: clinical testing. Allele origin: germline.
Comment: This sequence change replaces glycine, which is neutral and non-polar, with valine, which is neutral and non-polar, at codon 1611 of the MYO5B protein (p.Gly1611Val). This variant is present in population databases (rs374782805, gnomAD 0.02%). This variant has not been reported in the literature in individuals affected with MYO5B-related conditions. Algorithms developed to predict the effect of missense changes on protein structure and function are either unavailable or do not agree on the potential impact of this missense change (SIFT: "Deleterious"; PolyPhen-2: "Possibly Damaging"; Align-GVGD: "Class C0"). In summary, the available evidence is currently insufficient to determine the role of this variant in disease. Therefore, it has been classified as a Variant of Uncertain Significance.

NM_001080467.3(MYO5B):c.4832G>T (p.Gly1611Val)

Genes: MYO5B (myosin VB; minus strand), SNHG22 (small nucleolar RNA host gene 22; plus strand). Cytogenetic location: 18q21.1.
Variant type: single nucleotide variant.
Coding change: c.4832G>T on transcript NM_001080467.3 (MANE Select); coding-DNA position 4832, G replaced by T.
Protein change: p.Gly1611Val; replaces glycine 1611 with valine.
Molecular consequence: missense variant.
Genome position (GRCh38, 1-based): chr18:49,839,164, C>A on the plus strand (G>T on the coding strand, the complement: MYO5B is on the minus strand). VCF-style: chr18-49839164-C-A. GRCh37 (hg19) VCF-style: chr18-47365534-C-A.
Other names: c.4832G>T (NM_001080467.2); short protein forms G1611V.
Identifiers: ClinVar variation 1494893 (VCV001494893.4), dbSNP rs374782805, ClinGen allele CA8960218.
Genomic context (GRCh38, chr18:49,839,164, plus strand): 5'-CACCATGATGAGTGATGTAGCTCTCCTGCTGCCAGCTTACCTATCATCGGCTGTAACACG[C>A]CCTCGGCAATTTTAATGAGCTGCTGGTAGATCTGAATGGAAAGGTCACTCAGCACCTGAC-3'
Protein context (NP_001073936.1, residues 1601-1621): IYQQLIKIAE[Gly1611Val]VLQPMIVSAM